The following is an entry in ClinVar:

NM_003884.5(KAT2B):c.670-3A>C

Gene: KAT2B (lysine acetyltransferase 2B; plus strand). Cytogenetic location: 3p24.3.
Variant type: single nucleotide variant.
Coding change: c.670-3A>C on transcript NM_003884.5 (MANE Select); 3 bases into the intron before coding-DNA position 670, A replaced by C.
Molecular consequence: intron variant.
Genome position (GRCh38, 1-based): chr3:20,101,284, A>C. VCF-style: chr3-20101284-A-C. GRCh37 (hg19) VCF-style: chr3-20142776-A-C.
Identifiers: ClinVar variation 3352343 (VCV003352343.1).

ClinVar aggregate classification (germline): Likely benign (0 of 4 stars; one submission).

Conditions:
KAT2B-related disorder. Also called: KAT2B-related condition.

gnomAD v4.1: 106 of 1,613,076 alleles (0.0066%); highest among the groups gnomAD compares: African/African-American, 0.13%; no homozygotes.

Submission:

PreventionGenetics, part of Exact Sciences
Classification: Likely benign for KAT2B-related condition. Last evaluated: 2024-04-17. Review status: no assertion criteria provided. Collection method: clinical testing. Allele origin: germline.
Comment: This variant is classified as likely benign based on ACMG/AMP sequence variant interpretation guidelines (Richards et al. 2015 PMID: 25741868, with internal and published modifications).